The following is an entry in ClinVar:

ClinVar aggregate classification (germline): Uncertain significance (1 of 4 stars; one submission).

Submission:

Labcorp Genetics (formerly Invitae), Labcorp
Classification: Uncertain significance. Last evaluated: 2024-06-18. Review status: criteria provided, single submitter. Criteria: Invitae Variant Classification Sherloc (09022015). Collection method: clinical testing. Allele origin: germline.
Comment: This sequence change replaces proline, which is neutral and non-polar, with arginine, which is basic and polar, at codon 461 of the FH protein (p.Pro461Arg). This variant is not present in population databases (gnomAD no frequency). This variant has not been reported in the literature in individuals affected with FH-related conditions. Advanced modeling of protein sequence and biophysical properties (such as structural, functional, and spatial information, amino acid conservation, physicochemical variation, residue mobility, and thermodynamic stability) has been performed at Invitae for this missense variant, however the output from this modeling did not meet the statistical confidence thresholds required to predict the impact of this variant on FH protein function. In summary, the available evidence is currently insufficient to determine the role of this variant in disease. Therefore, it has been classified as a Variant of Uncertain Significance.

NM_000143.4(FH):c.1382C>G (p.Pro461Arg)

Gene: FH (fumarate hydratase; minus strand). Cytogenetic location: 1q43.
Variant type: single nucleotide variant.
Coding change: c.1382C>G on transcript NM_000143.4 (MANE Select); coding-DNA position 1382, C replaced by G.
Protein change: p.Pro461Arg; replaces proline 461 with arginine.
Molecular consequence: missense variant.
Genome position (GRCh38, 1-based): chr1:241,500,445, G>C on the plus strand (C>G on the coding strand, the complement: FH is on the minus strand). VCF-style: chr1-241500445-G-C. GRCh37 (hg19) VCF-style: chr1-241663745-G-C.
Other names: short protein forms P461R.
Identifiers: ClinVar variation 3656898 (VCV003656898.2).
Genomic context (GRCh38, chr1:241,500,445, plus strand): 5'-TAGCTTTTTAATTTTGCATTCAAAATGATATTATTATTCCTTAAACACTTACCTATATGA[G>C]GATTGAGAGCTGTCACCAACATTAGAGACTCATTCATCAGCTTGTTGATCCTTTCTGTAT-3'
Protein context (NP_000134.2, residues 451-471): ESLMLVTALN[Pro461Arg]HIGYDKAAKI